The following is an entry in ClinVar:

NM_018706.7(DHTKD1):c.1067T>C (p.Ile356Thr)

Gene: DHTKD1 (dehydrogenase E1 and transketolase domain containing 1; plus strand). Cytogenetic location: 10p14.
Variant type: single nucleotide variant.
Coding change: c.1067T>C on transcript NM_018706.7 (MANE Select); coding-DNA position 1067, T replaced by C.
Protein change: p.Ile356Thr; replaces isoleucine 356 with threonine.
Molecular consequence: missense variant.
Genome position (GRCh38, 1-based): chr10:12,091,592, T>C. VCF-style: chr10-12091592-T-C. GRCh37 (hg19) VCF-style: chr10-12133591-T-C.
Other names: c.1067T>C (NM_018706.5); short protein forms I356T.
Identifiers: ClinVar variation 1013654 (VCV001013654.10), dbSNP rs1250819676, ClinGen allele CA376019315.

ClinVar aggregate classification (germline): Uncertain significance. Review status: criteria provided, multiple submitters, no conflicts (2 of 4 stars). 2 submissions from 2 submitters: Uncertain significance (2). Last evaluated 2025-12-23.

Conditions:
Inborn genetic diseases. Identifiers: MedGen C0950123, MeSH D030342.
2-aminoadipic 2-oxoadipic aciduria (AAKAD). Also called: Aminoadipic aciduria; ALPHA-AMINOADIPIC AND ALPHA-KETOADIPIC ACIDURIA. Identifiers: Orphanet 79154, MedGen C1859817, MONDO:0008774, OMIM 204750.

Allele frequency attached by ClinVar (database versions not stated): gnomAD exomes below 0.00001 and 0.00001.
gnomAD v4.1: 23 of 1,613,444 alleles (0.0014%); highest among the groups gnomAD compares: Non-Finnish European, 0.0018%; no homozygotes.

Submissions (2):

Labcorp Genetics (formerly Invitae), Labcorp
Classification: Uncertain significance for 2-aminoadipic 2-oxoadipic aciduria. Last evaluated: 2025-12-23. Review status: criteria provided, single submitter. Criteria: Invitae Variant Classification Sherloc (09022015). Collection method: clinical testing. Allele origin: germline.
Comment: This sequence change replaces isoleucine, which is neutral and non-polar, with threonine, which is neutral and polar, at codon 356 of the DHTKD1 protein (p.Ile356Thr). This variant is present in population databases (no rsID available, gnomAD 0.0009%). This variant has not been reported in the literature in individuals affected with DHTKD1-related conditions. ClinVar contains an entry for this variant (Variation ID: 1013654). Invitae Evidence Modeling of protein sequence and biophysical properties (such as structural, functional, and spatial information, amino acid conservation, physicochemical variation, residue mobility, and thermodynamic stability) indicates that this missense variant is not expected to disrupt DHTKD1 protein function with a negative predictive value of 80%. In summary, the available evidence is currently insufficient to determine the role of this variant in disease. Therefore, it has been classified as a Variant of Uncertain Significance.

Ambry Genetics
Classification: Uncertain significance for Inborn genetic diseases. Last evaluated: 2024-08-14. Review status: criteria provided, single submitter. Criteria: Ambry Variant Classification Scheme 2023. Collection method: clinical testing. Allele origin: germline.